The following is an entry in ClinVar:

NM_016203.4(PRKAG2):c.1150A>G (p.Arg384Gly)

Gene: PRKAG2 (protein kinase AMP-activated non-catalytic subunit gamma 2; minus strand). Cytogenetic location: 7q36.1.
Variant type: single nucleotide variant.
Coding change: c.1150A>G on transcript NM_016203.4 (MANE Select); coding-DNA position 1150, A replaced by G.
Protein change: p.Arg384Gly; replaces arginine 384 with glycine.
Molecular consequence: missense variant.
Genome position (GRCh38, 1-based): chr7:151,568,799, T>C on the plus strand (A>G on the coding strand, the complement: PRKAG2 is on the minus strand). VCF-style: chr7-151568799-T-C. GRCh37 (hg19) VCF-style: chr7-151265885-T-C.
Other names: c.1018A>G, p.Arg340Gly (NM_001040633.2, NM_001407024.1); c.775A>G, p.Arg259Gly (NM_001304527.2, NM_001407029.1); c.427A>G, p.Arg143Gly (NM_001304531.2, NM_001407034.1, NM_001407035.1 and 1 more transcripts); c.778A>G, p.Arg260Gly (NM_001363698.2, NM_001407028.1); c.1150A>G, p.Arg384Gly (NM_001407021.1); c.1147A>G, p.Arg383Gly (NM_001407022.1, NM_001407023.1); c.1015A>G, p.Arg339Gly (NM_001407026.1, NM_001407027.1); c.862A>G, p.Arg288Gly (NM_001407030.1); and 6 more; short protein forms R142G, R143G, R159G, R163G, R259G, R260G, R276G, R278G.
Identifiers: ClinVar variation 3355423 (VCV003355423.1).

ClinVar aggregate classification (germline): Likely pathogenic (0 of 4 stars; one submission).

Conditions:
PRKAG2-related disorder. Also called: PRKAG2-related condition; PRKAG2-related disorders.

Submission:

PreventionGenetics, part of Exact Sciences
Classification: Likely pathogenic for PRKAG2-related condition. Last evaluated: 2024-07-10. Review status: no assertion criteria provided. Collection method: clinical testing. Allele origin: germline.
Comment: The PRKAG2 c.1150A>G variant is predicted to result in the amino acid substitution p.Arg384Gly. To our knowledge, this variant has not been reported in the literature. In addition, a different missense variant affecting the same amino acid (p.Arg384Thr) has been reported in an individual with cardia glycogenesis (Akman et al. 2007. PubMed ID: 17667862). The c.1150A>G (p.Arg384Gly) variant has not been reported in a large population database, indicating it is rare. This variant is interpreted as likely pathogenic.